The following is an entry in ClinVar:

ClinVar aggregate classification (germline): Uncertain significance (1 of 4 stars; one submission).

Allele frequency attached by ClinVar (database versions not stated): gnomAD 0.00001; TOPMed below 0.00001.
gnomAD v4.1: 2 of 1,613,968 alleles (0.00012%); highest among the groups gnomAD compares: East Asian, 0.0022%; no homozygotes.

Submission:

Ambry Genetics
Classification: Uncertain significance. Last evaluated: 2025-10-27. Review status: criteria provided, single submitter. Criteria: Ambry Variant Classification Scheme 2023. Collection method: clinical testing. Allele origin: germline.
Comment: The p.P45S variant (also known as c.133C>T), located in coding exon 2 of the A2ML1 gene, results from a C to T substitution at nucleotide position 133. The proline at codon 45 is replaced by serine, an amino acid with similar properties. This amino acid position is conserved. In addition, this alteration is predicted to be tolerated by in silico analysis. Since supporting evidence is limited at this time, the clinical significance of this alteration remains unclear.

NM_144670.6(A2ML1):c.133C>T (p.Pro45Ser)

Genes: A2ML1 (alpha-2-macroglobulin like 1; plus strand), A2ML1-AS1 (A2ML1 antisense RNA 1; minus strand). Cytogenetic location: 12p13.31.
Variant type: single nucleotide variant.
Coding change: c.133C>T on transcript NM_144670.6 (MANE Select); coding-DNA position 133, C replaced by T.
Protein change: p.Pro45Ser; replaces proline 45 with serine.
Molecular consequence: missense variant.
Genome position (GRCh38, 1-based): chr12:8,823,252, C>T. VCF-style: chr12-8823252-C-T. GRCh37 (hg19) VCF-style: chr12-8975848-C-T.
Other names: short protein forms P45S.
Identifiers: ClinVar variation 2449344 (VCV002449344.3), dbSNP rs1397226910, ClinGen allele CA383817902.